The following is an entry in ClinVar:

NM_000297.4(PKD2):c.1899-9T>G

Gene: PKD2 (polycystin 2, transient receptor potential cation channel; plus strand). Cytogenetic location: 4q22.1.
Variant type: single nucleotide variant.
Coding change: c.1899-9T>G on transcript NM_000297.4 (MANE Select); 9 bases into the intron before coding-DNA position 1899, T replaced by G.
Molecular consequence: intron variant.
Genome position (GRCh38, 1-based): chr4:88,057,974, T>G. VCF-style: chr4-88057974-T-G. GRCh37 (hg19) VCF-style: chr4-88979126-T-G.
Other names: c.1674-9T>G (NM_001440544.1).
Identifiers: ClinVar variation 4526691 (VCV004526691.1).

ClinVar aggregate classification (germline): Uncertain significance (1 of 4 stars; one submission).

Conditions:
Birt-Hogg-Dube syndrome. Also called: Birt Hogg Dubé syndrome. Identifiers: Orphanet 122, MedGen C0346010, MONDO:0800444.

Submission:

Clinical Genetics Laboratory, Skane University Hospital Lund
Classification: Uncertain significance for Birt-Hogg-Dube syndrome. Last evaluated: 2025-11-03. Review status: criteria provided, single submitter. Criteria: ACMG Guidelines, 2015. Collection method: clinical testing. Allele origin: germline. Affected: yes.
Comment: PM2, PP3